The following is an entry in ClinVar:

NM_001350451.2(RBFOX3):c.668G>C (p.Arg223Pro)

Gene: RBFOX3 (RNA binding fox-1 homolog 3; minus strand). Cytogenetic location: 17q25.3.
Variant type: single nucleotide variant.
Coding change: c.668G>C on transcript NM_001350451.2 (MANE Select); coding-DNA position 668, G replaced by C.
Protein change: p.Arg223Pro; replaces arginine 223 with proline.
Molecular consequence: missense variant.
Genome position (GRCh38, 1-based): chr17:79,097,379, C>G on the plus strand (G>C on the coding strand, the complement: RBFOX3 is on the minus strand). VCF-style: chr17-79097379-C-G. GRCh37 (hg19) VCF-style: chr17-77093461-C-G.
Other names: c.668G>C, p.Arg223Pro (NM_001082575.3, NM_001350453.2, NM_001385804.1 and 33 more transcripts); c.665G>C, p.Arg222Pro (NM_001385806.1, NM_001385822.1, NM_001385823.1 and 4 more transcripts); c.575G>C, p.Arg192Pro (NM_001385824.1); c.689G>C, p.Arg230Pro (NM_001385827.1); c.521G>C, p.Arg174Pro (NM_001385847.1); short protein forms R174P, R222P, R230P, R192P, R223P.
Identifiers: ClinVar variation 2901990 (VCV002901990.3), dbSNP rs2510119706, ClinGen allele CA401316524.

ClinVar aggregate classification (germline): Uncertain significance (1 of 4 stars; one submission).

Conditions:
Idiopathic generalized epilepsy. Also called: Generalised epilepsy; EIG. Identifiers: MedGen C0270850, MONDO:0005579, OMIM 600669.

Allele frequency attached by ClinVar (database versions not stated): gnomAD exomes below 0.00001.
gnomAD v4.1: 1 of 1,548,632 alleles (0.000065%); highest among the groups gnomAD compares: Non-Finnish European, 0.000087%; no homozygotes.

Submission:

Labcorp Genetics (formerly Invitae), Labcorp
Classification: Uncertain significance for Idiopathic generalized epilepsy. Last evaluated: 2023-02-25. Review status: criteria provided, single submitter. Criteria: Invitae Variant Classification Sherloc (09022015). Collection method: clinical testing. Allele origin: germline.
Comment: This variant is not present in population databases (gnomAD no frequency). This sequence change replaces arginine, which is basic and polar, with proline, which is neutral and non-polar, at codon 223 of the RBFOX3 protein (p.Arg223Pro). This variant has not been reported in the literature in individuals affected with RBFOX3-related conditions. In summary, the available evidence is currently insufficient to determine the role of this variant in disease. Therefore, it has been classified as a Variant of Uncertain Significance. Advanced modeling of protein sequence and biophysical properties (such as structural, functional, and spatial information, amino acid conservation, physicochemical variation, residue mobility, and thermodynamic stability) performed at Invitae indicates that this missense variant is not expected to disrupt RBFOX3 protein function.